The following is an entry in ClinVar:

ClinVar aggregate classification (germline): Uncertain significance. Review status: criteria provided, multiple submitters, no conflicts (2 of 4 stars). 2 submissions from 2 submitters: Uncertain significance (2). Last evaluated 2022-10-13.

Conditions:
Sulfite oxidase deficiency. Also called: Isolated sulfite oxidase deficiency. Identifiers: Orphanet 833, Orphanet 99731, MedGen C0268624, MONDO:0010089, OMIM 272300, HP:0003643.

Allele frequency attached by ClinVar (database versions not stated): gnomAD 0.00001; gnomAD exomes 0.00001; TOPMed 0.00001.

Submissions (2):

Labcorp Genetics (formerly Invitae), Labcorp
Classification: Uncertain significance for Sulfite oxidase deficiency. Last evaluated: 2022-10-13. Review status: criteria provided, single submitter. Criteria: Invitae Variant Classification Sherloc (09022015). Collection method: clinical testing. Allele origin: germline.
Comment: This sequence change falls in intron 4 of the SUOX gene. It does not directly change the encoded amino acid sequence of the SUOX protein. This variant is not present in population databases (gnomAD no frequency). This variant has not been reported in the literature in individuals affected with SUOX-related conditions. Algorithms developed to predict the effect of sequence changes on RNA splicing suggest that this variant may disrupt the consensus splice site. In summary, the available evidence is currently insufficient to determine the role of this variant in disease. Therefore, it has been classified as a Variant of Uncertain Significance.

Blueprint Genetics
Classification: Uncertain significance. Last evaluated: 2022-06-07. Review status: criteria provided, single submitter. Criteria: ACMG Guidelines, 2015. Collection method: clinical testing. Allele origin: germline.

NM_001032386.2(SUOX):c.51-10T>A

Gene: SUOX (sulfite oxidase; plus strand). Cytogenetic location: 12q13.2.
Variant type: single nucleotide variant.
Coding change: c.51-10T>A on transcript NM_001032386.2 (MANE Select); 10 bases into the intron before coding-DNA position 51, T replaced by A.
Molecular consequence: intron variant.
Genome position (GRCh38, 1-based): chr12:56,002,533, T>A. VCF-style: chr12-56002533-T-A. GRCh37 (hg19) VCF-style: chr12-56396317-T-A.
Other names: c.51-10T>A (NM_000456.3, NM_001032387.2).
Identifiers: ClinVar variation 1983642 (VCV001983642.2), dbSNP rs1890570528, ClinGen allele CA947976184.
Genomic context (GRCh38, chr12:56,002,533, plus strand): 5'-AGTAGACCCCAAGCCTTCACTAGCCCTTTCACATGACCATACGTGCTACTAAGACCGACC[T>A]CTCTTCCAGACTCAAGTCAATCCCCTCAAGGATCTGCATTCAGGCCTGCTCCACAAATGA-3'